The following is an entry in ClinVar:

ClinVar aggregate classification (germline): Pathogenic (1 of 4 stars; one submission).

Conditions:
HYPERHOMOCYSTEINEMIA, THROMBOTIC, CBS-RELATED. Identifiers: MedGen C3150344, OMIM 236200.

Submission:

Labcorp Genetics (formerly Invitae), Labcorp
Classification: Pathogenic for HYPERHOMOCYSTEINEMIA, THROMBOTIC, CBS-RELATED. Last evaluated: 2023-06-02. Review status: criteria provided, single submitter. Criteria: Invitae Variant Classification Sherloc (09022015). Collection method: clinical testing. Allele origin: germline.
Comment: This sequence change creates a premature translational stop signal (p.Thr87Hisfs*18) in the CBS gene. It is expected to result in an absent or disrupted protein product. Loss-of-function variants in CBS are known to be pathogenic (PMID: 10338090, 12124992). This variant is not present in population databases (gnomAD no frequency). This variant has not been reported in the literature in individuals affected with CBS-related conditions. For these reasons, this variant has been classified as Pathogenic.

Literature cited by the submitters: PubMed 10338090; PubMed 12124992.

NM_000071.3(CBS):c.258dup (p.Thr87fs)

Gene: CBS (cystathionine beta-synthase; minus strand). Cytogenetic location: 21q22.3.
Variant type: Duplication.
Coding change: c.258dup on transcript NM_000071.3 (MANE Select); coding-DNA position 258, one base duplicated (C; older notation c.258dupC).
Protein change: p.Thr87fs; shifts the reading frame from threonine 87.
Molecular consequence: frameshift variant.
Genome position (GRCh38, 1-based): chr21:43,068,567, G duplicated on the plus strand (C on the coding strand, the reverse complement: CBS is on the minus strand). VCF-style (leftmost placement, unchanged base first): chr21-43068566-T-TG. GRCh37 (hg19) VCF-style: chr21-44488676-T-TG.
Other names: c.258dup, p.Thr87fs (NM_001178008.3, NM_001178009.3, NM_001320298.2); short protein forms T87fs.
Identifiers: ClinVar variation 2756664 (VCV002756664.3), dbSNP rs2517469815, ClinGen allele CA2697547545.